The following is an entry in ClinVar:

NM_001376.5(DYNC1H1):c.9364G>A (p.Val3122Met)

Genes: DYNC1H1 (dynein cytoplasmic 1 heavy chain 1; plus strand), LOC126862060 (BRD4-independent group 4 enhancer GRCh37_chr14:102493659-102494858; plus strand). Cytogenetic location: 14q32.31.
Variant type: single nucleotide variant.
Coding change: c.9364G>A on transcript NM_001376.5 (MANE Select); coding-DNA position 9364, G replaced by A.
Protein change: p.Val3122Met; replaces valine 3122 with methionine.
Molecular consequence: missense variant.
Genome position (GRCh38, 1-based): chr14:102,028,037, G>A. VCF-style: chr14-102028037-G-A. GRCh37 (hg19) VCF-style: chr14-102494374-G-A.
Other names: short protein forms V3122M.
Identifiers: ClinVar variation 2441065 (VCV002441065.8), dbSNP rs1567017307, ClinGen allele CA391013929.

ClinVar aggregate classification (germline): Conflicting classifications of pathogenicity. Review status: criteria provided, conflicting classifications (1 of 4 stars). 4 submissions from 4 submitters: Uncertain significance (3); Likely benign (1). Last evaluated 2025-11-17.

Conditions:
Inborn genetic diseases. Identifiers: MedGen C0950123, MeSH D030342.
Charcot-Marie-Tooth disease axonal type 2O. Also called: CHARCOT-MARIE-TOOTH NEUROPATHY, AXONAL, TYPE 2O; CHARCOT-MARIE-TOOTH DISEASE, AXONAL, AUTOSOMAL DOMINANT, TYPE 2O; Charcot-Marie-Tooth Neuropathy Type 2O; Charcot-Marie-Tooth disease, axonal, type 20. Identifiers: Orphanet 284232, MedGen C3280220, MONDO:0013644, OMIM 614228.

Allele frequency attached by ClinVar (database versions not stated): gnomAD exomes 0.00001; TOPMed 0.00001.
gnomAD v4.1: 9 of 1,614,154 alleles (0.00056%); highest among the groups gnomAD compares: Non-Finnish European, 0.00076%; no homozygotes.

Submissions (4):

Labcorp Genetics (formerly Invitae), Labcorp
Classification: Likely benign for Charcot-Marie-Tooth disease axonal type 2O. Last evaluated: 2025-11-17. Review status: criteria provided, single submitter. Criteria: Invitae Variant Classification Sherloc (09022015). Collection method: clinical testing. Allele origin: germline.

Ambry Genetics
Classification: Uncertain significance for Inborn genetic diseases. Last evaluated: 2025-11-02. Review status: criteria provided, single submitter. Criteria: Ambry Variant Classification Scheme 2023. Collection method: clinical testing. Allele origin: germline.
Comment: The c.9364G>A (p.V3122M) alteration is located in exon 48 (coding exon 48) of the DYNC1H1 gene. This alteration results from a G to A substitution at nucleotide position 9364, causing the valine (V) at amino acid position 3122 to be replaced by a methionine (M). Based on data from gnomAD, the A allele has an overall frequency of <0.001% (1/251488) total alleles studied. The highest observed frequency was 0.001% (1/113762) of European (non-Finnish) alleles. Based on insufficient or conflicting evidence, the clinical significance of this alteration remains unclear.

GeneDx
Classification: Uncertain significance. Last evaluated: 2025-04-15. Review status: criteria provided, single submitter. Criteria: GeneDx Variant Classification Process June 2021. Collection method: clinical testing. Allele origin: germline. Affected: yes.
Comment: In silico analysis indicates that this missense variant does not alter protein structure/function; Has not been previously published as pathogenic or benign to our knowledge; This variant is associated with the following publications: (PMID: 25512093, 25609763, 26100331)

Revvity Omics, Revvity
Classification: Uncertain significance. Last evaluated: 2019-08-23. Review status: criteria provided, single submitter. Criteria: ACMG Guidelines, 2015. Collection method: clinical testing. Allele origin: germline.